The following is an entry in ClinVar:

ClinVar aggregate classification (germline): Uncertain significance. Review status: criteria provided, multiple submitters, no conflicts (2 of 4 stars). 2 submissions from 2 submitters: Uncertain significance (2). Last evaluated 2024-03-08.

Conditions:
MEGF8-related Carpenter syndrome. Also called: Carpenter syndrome 2. Identifiers: Orphanet 65759, MedGen C3554247, MONDO:0013998, OMIM 614976.
Inborn genetic diseases. Identifiers: MedGen C0950123, MeSH D030342.

Allele frequency attached by ClinVar (database versions not stated): gnomAD 0.00002 and 0.00003; TOPMed 0.00002; ExAC 0.00004.
gnomAD v4.1: 35 of 1,613,756 alleles (0.0022%); highest among the groups gnomAD compares: African/African-American, 0.004%; no homozygotes.

Submissions (2):

Ambry Genetics
Classification: Uncertain significance for Inborn genetic diseases. Last evaluated: 2024-03-08. Review status: criteria provided, single submitter. Criteria: Ambry Variant Classification Scheme 2023. Collection method: clinical testing. Allele origin: germline.

Labcorp Genetics (formerly Invitae), Labcorp
Classification: Uncertain significance for MEGF8-related Carpenter syndrome. Last evaluated: 2021-11-26. Review status: criteria provided, single submitter. Criteria: Invitae Variant Classification Sherloc (09022015). Collection method: clinical testing. Allele origin: germline.
Comment: ClinVar contains an entry for this variant (Variation ID: 960808). This variant has not been reported in the literature in individuals affected with MEGF8-related conditions. This variant is present in population databases (rs771233244, gnomAD 0.008%). This sequence change replaces arginine, which is basic and polar, with histidine, which is basic and polar, at codon 1886 of the MEGF8 protein (p.Arg1886His). Algorithms developed to predict the effect of missense changes on protein structure and function (SIFT, PolyPhen-2, Align-GVGD) all suggest that this variant is likely to be tolerated. In summary, the available evidence is currently insufficient to determine the role of this variant in disease. Therefore, it has been classified as a Variant of Uncertain Significance.

NM_001271938.2(MEGF8):c.5858G>A (p.Arg1953His)

Gene: MEGF8 (multiple EGF like domains 8; plus strand). Cytogenetic location: 19q13.2.
Variant type: single nucleotide variant.
Coding change: c.5858G>A on transcript NM_001271938.2 (MANE Select); coding-DNA position 5858, G replaced by A.
Protein change: p.Arg1953His; replaces arginine 1953 with histidine.
Molecular consequence: missense variant.
Genome position (GRCh38, 1-based): chr19:42,362,397, G>A. VCF-style: chr19-42362397-G-A. GRCh37 (hg19) VCF-style: chr19-42866549-G-A.
Other names: c.5657G>A, p.Arg1886His (NM_001410.3); short protein forms R1953H, R1886H.
Identifiers: ClinVar variation 960808 (VCV000960808.7), dbSNP rs771233244, ClinGen allele CA9475722.
Genomic context (GRCh38, chr19:42,362,397, plus strand): 5'-TCAGGAGGGGTGCTGAGGGTCCCATCTAGCCTGTCTTCCCTCACCAGGCGTCCACCCCCC[G>A]CTGTAAGTGGTGTACCAACTGCCCCGAAGGTGCTTGCATTGGACGCAATGGGTCCTGCAC-3'
Protein context (NP_001258867.1, residues 1943-1963): QPGDGEASTP[Arg1953His]CKWCTNCPEG